The following is an entry in ClinVar:

NM_006118.4(HAX1):c.750G>C (p.Arg250Ser)

Gene: HAX1 (HCLS1 associated protein X-1; plus strand). Cytogenetic location: 1q21.3.
Variant type: single nucleotide variant.
Coding change: c.750G>C on transcript NM_006118.4 (MANE Select); coding-DNA position 750, G replaced by C.
Protein change: p.Arg250Ser; replaces arginine 250 with serine.
Molecular consequence: missense variant.
Genome position (GRCh38, 1-based): chr1:154,275,479, G>C. VCF-style: chr1-154275479-G-C. GRCh37 (hg19) VCF-style: chr1-154247955-G-C.
Other names: c.606G>C, p.Arg202Ser (NM_001018837.2); short protein forms R202S, R250S.
Identifiers: ClinVar variation 4033861 (VCV004033861.1).

ClinVar aggregate classification (germline): Uncertain significance (1 of 4 stars; one submission).

Conditions:
Inborn genetic diseases. Identifiers: MedGen C0950123, MeSH D030342.

Submission:

Ambry Genetics
Classification: Uncertain significance for Inborn genetic diseases. Last evaluated: 2025-05-16. Review status: criteria provided, single submitter. Criteria: Ambry Variant Classification Scheme 2023. Collection method: clinical testing. Allele origin: germline.
Comment: The p.R250S variant (also known as c.750G>C), located in coding exon 6 of the HAX1 gene, results from a G to C substitution at nucleotide position 750. The arginine at codon 250 is replaced by serine, an amino acid with dissimilar properties. This amino acid position is conserved. In addition, this alteration is predicted to be tolerated by in silico analysis. Based on the available evidence, the clinical significance of this variant remains unclear.